The following is an entry in ClinVar:

ClinVar aggregate classification (germline): Pathogenic (1 of 4 stars; one submission).

Submission:

GeneDx
Classification: Pathogenic. Last evaluated: 2017-06-01. Review status: criteria provided, single submitter. Criteria: GeneDx Variant Classification (06012015). Collection method: clinical testing. Allele origin: germline. Affected: yes.
Comment: The c.1823_1824delTC pathogenic variant in the KRIT1 gene causes a frameshift starting with codon Leucine 608, changes this amino acid to a Glutamine residue and creates a premature Stop codon at position 4 of the new reading frame, denoted p.Leu608GlnfsX4. This pathogenic variant is predicted to cause loss of normal protein function either through protein truncation or nonsense-mediated mRNA decay. The c.1823_1824delTC variant is not observed in large population cohorts (Lek et al., 2016; 1000 Genomes Consortium et al., 2015; Exome Variant Server). Although this pathogenic variant has not been previously reported to our knowledge, its presence is consistent with the diagnosis of CCM.

NM_194454.3(KRIT1):c.1823_1824del (p.Leu608fs)

Gene: KRIT1 (KRIT1 ankyrin repeat containing; minus strand). Cytogenetic location: 7q21.2.
Variant type: Microsatellite.
Coding change: c.1823_1824del on transcript NM_194454.3 (MANE Select); coding-DNA positions 1823 to 1824, 2 bases deleted (TC; older notation c.1823_1824delTC).
Protein change: p.Leu608fs; shifts the reading frame from leucine 608.
Molecular consequence: frameshift variant.
Genome position (GRCh38, 1-based): chr7:92,213,396-92,213,397, GA deleted on the plus strand (TC on the coding strand, the reverse complement: KRIT1 is on the minus strand); deleting any 2 consecutive bases within chr7:92,213,396-92,213,399 gives the same sequence; the c. name uses the placement nearest the transcript's 3' end. VCF-style (leftmost placement, unchanged base first): chr7-92213395-TGA-T. GRCh37 (hg19) VCF-style: chr7-91842709-TGA-T.
Other names: c.1823_1824delTC (NM_194456.1); c.1679_1680del, p.Leu560fs (NM_001013406.2, NM_001350669.1, NM_001350670.1); c.1109_1110del, p.Leu370fs (NM_001350671.1); c.1823_1824del, p.Leu608fs (NM_001350672.1, NM_001350673.1, NM_001350674.1 and 26 more transcripts); short protein forms L370fs, L608fs, L560fs.
Identifiers: ClinVar variation 449940 (VCV000449940.2), dbSNP rs1554503202, ClinGen allele CA658657681.